The following is an entry in ClinVar:

ClinVar aggregate classification (germline): Likely benign (1 of 4 stars; one submission).

Submission:

CeGaT Center for Human Genetics Tuebingen
Classification: Likely benign. Last evaluated: 2025-07-01. Review status: criteria provided, single submitter. Criteria: CeGaT Center For Human Genetics Tuebingen Variant Classification Criteria Version 2. Collection method: clinical testing. Allele origin: germline. Affected: yes. Observed: 1 variant allele.
Comment: LMTK3: PM2:Supporting, BP4, BP7

NM_001388485.1(LMTK3):c.1800A>C (p.Ser600=)

Gene: LMTK3 (lemur tail kinase 3; minus strand). Cytogenetic location: 19q13.33.
Variant type: single nucleotide variant.
Coding change: c.1800A>C on transcript NM_001388485.1 (MANE Select); coding-DNA position 1800, A replaced by C.
Protein change: p.Ser600=; no amino-acid change (serine 600 retained).
Molecular consequence: synonymous variant.
Genome position (GRCh38, 1-based): chr19:48,499,269, T>G on the plus strand (A>C on the coding strand, the complement: LMTK3 is on the minus strand). VCF-style: chr19-48499269-T-G. GRCh37 (hg19) VCF-style: chr19-49002526-T-G.
Other names: c.1800A>C, p.Ser600= (NM_001080434.2).
Identifiers: ClinVar variation 4085117 (VCV004085117.8).